The following is an entry in ClinVar:

ClinVar aggregate classification (germline): Uncertain significance (1 of 4 stars; one submission).

gnomAD v4.1: 3 of 1,583,962 alleles (0.00019%); highest among the groups gnomAD compares: Admixed American, 0.0054%; no homozygotes.

Submission:

Labcorp Genetics (formerly Invitae), Labcorp
Classification: Uncertain significance. Last evaluated: 2023-10-13. Review status: criteria provided, single submitter. Criteria: Invitae Variant Classification Sherloc (09022015). Collection method: clinical testing. Allele origin: germline.
Comment: This sequence change replaces alanine, which is neutral and non-polar, with glycine, which is neutral and non-polar, at codon 1859 of the MYO18B protein (p.Ala1859Gly). The frequency data for this variant in the population databases is considered unreliable, as metrics indicate poor data quality at this position in the gnomAD database. This variant has not been reported in the literature in individuals affected with MYO18B-related conditions. ClinVar contains an entry for this variant (Variation ID: 1990388). An algorithm developed to predict the effect of missense changes on protein structure and function (PolyPhen-2) suggests that this variant¬†is likely to be tolerated. In summary, the available evidence is currently insufficient to determine the role of this variant in disease. Therefore, it has been classified as a Variant of Uncertain Significance.

NM_032608.7(MYO18B):c.5576C>G (p.Ala1859Gly)

Gene: MYO18B (myosin XVIIIB; plus strand). Cytogenetic location: 22q12.1.
Variant type: single nucleotide variant.
Coding change: c.5576C>G on transcript NM_032608.7 (MANE Select); coding-DNA position 5576, C replaced by G.
Protein change: p.Ala1859Gly; replaces alanine 1859 with glycine.
Molecular consequence: missense variant.
Genome position (GRCh38, 1-based): chr22:25,946,195, C>G. VCF-style: chr22-25946195-C-G. GRCh37 (hg19) VCF-style: chr22-26342161-C-G.
Other names: c.5579C>G, p.Ala1860Gly (NM_001318245.2); short protein forms A1859G, A1860G.
Identifiers: ClinVar variation 1990388 (VCV001990388.2), dbSNP rs554386217, ClinGen allele CA411007744.
Genomic context (GRCh38, chr22:25,946,195, plus strand): 5'-AGCTGGAGCAGAGTGAAGCCAAGTGTGAGGAGGCCTTGAAGACGCAGAAGGTGCTCACAG[C>G]GGACCTGGAGAGCATGCACAGCGAGCTGGAGAACATGACGCGGAACAAGAGCCTGGTACC-3'
Protein context (NP_115997.5, residues 1849-1869): EALKTQKVLT[Ala1859Gly]DLESMHSELE